The following is an entry in ClinVar:

ClinVar aggregate classification (germline): Likely benign. Review status: criteria provided, multiple submitters, no conflicts (2 of 4 stars). 2 submissions from 2 submitters: Likely benign (2). Last evaluated 2025-05-27.

Conditions:
Hypertrophic cardiomyopathy. Also called: HYPERTROPHIC MYOCARDIOPATHY. Identifiers: Orphanet 217569, MedGen C0007194, MeSH D002312, MONDO:0005045, HP:0001639.

Submissions (2):

Labcorp Genetics (formerly Invitae), Labcorp
Classification: Likely benign for Hypertrophic cardiomyopathy. Last evaluated: 2025-05-27. Review status: criteria provided, single submitter. Criteria: Invitae Variant Classification Sherloc (09022015). Collection method: clinical testing. Allele origin: germline.

All of Us Research Program, National Institutes of Health
Classification: Likely benign for Hypertrophic cardiomyopathy. Last evaluated: 2023-06-28. Review status: criteria provided, single submitter. Criteria: ACMG Guidelines, 2015. Collection method: clinical testing. Allele origin: germline. Inheritance: Autosomal dominant inheritance. Observed: 2 variant alleles, 2 heterozygotes.
Comment: This study involves interpretation of variants in research participants for the purpose of population health screening. Participant phenotype was not available at the time of variant classification. Additional details can be found in publication PMID: 35346344, PMCID: PMC8962531

NM_000256.3(MYBPC3):c.1935C>G (p.Pro645=)

Gene: MYBPC3 (myosin binding protein C3; minus strand). Cytogenetic location: 11p11.2.
Variant type: single nucleotide variant.
Coding change: c.1935C>G on transcript NM_000256.3 (MANE Select); coding-DNA position 1935, C replaced by G.
Protein change: p.Pro645=; no amino-acid change (proline 645 retained).
Molecular consequence: synonymous variant.
Genome position (GRCh38, 1-based): chr11:47,339,783, G>C on the plus strand (C>G on the coding strand, the complement: MYBPC3 is on the minus strand). VCF-style: chr11-47339783-G-C. GRCh37 (hg19) VCF-style: chr11-47361334-G-C.
Identifiers: ClinVar variation 1110796 (VCV001110796.10), dbSNP rs727503193, ClinGen allele CA474217949.
Genomic context (GRCh38, chr11:47,339,783, plus strand): 5'-ATTTCCAGCTACAACCACAATGGTGTCTGGTATGCGGCCTGGGCAGTCCAGGTGGATCTT[G>C]GGAGGTTCTGCAGAAGACACAATGTAGTTCAGAGAAACGGGAGAGCCAGGAGGAGCACAG-3'
Protein context (NP_000247.2, residues 635-655): KIDFVPRQEP[Pro645=]KIHLDCPGRI